The following is an entry in ClinVar:

NM_001382273.1(TNK2):c.2026G>A (p.Ala676Thr)

Gene: TNK2 (tyrosine kinase non receptor 2; minus strand). Cytogenetic location: 3q29.
Variant type: single nucleotide variant.
Coding change: c.2026G>A on transcript NM_001382273.1 (MANE Select); coding-DNA position 2026, G replaced by A.
Protein change: p.Ala676Thr; replaces alanine 676 with threonine.
Molecular consequence: missense variant. On other transcripts: non-coding transcript variant (15).
Genome position (GRCh38, 1-based): chr3:195,868,272, C>T on the plus strand (G>A on the coding strand, the complement: TNK2 is on the minus strand). VCF-style: chr3-195868272-C-T. GRCh37 (hg19) VCF-style: chr3-195595143-C-T.
Other names: c.2098G>A, p.Ala700Thr (NM_001010938.2, NM_001382272.1); c.2077G>A, p.Ala693Thr (NM_001308046.2, NM_001382271.1); c.2026G>A, p.Ala676Thr (NM_001382274.1, NM_001387716.1, NM_001387717.1 and 1 more transcripts); c.2122G>A, p.Ala708Thr (NM_001382275.1, NM_001387707.1); c.1981G>A, p.Ala661Thr (NM_001386164.1, NM_001387709.1, NM_001387710.1 and 8 more transcripts); c.2053G>A, p.Ala685Thr (NM_001387708.1, NM_001387715.1); c.2215G>A (NM_001010938.1); short protein forms A676T, A693T, A685T, A700T, A708T, A661T.
Identifiers: ClinVar variation 2906503 (VCV002906503.4), dbSNP rs933181065, ClinGen allele CA90750603.
Genomic context (GRCh38, chr3:195,868,272, plus strand): 5'-GGGGCGGCCGCGCCTGCTCAGGCACAAAGGCGTAGTTGGTCTGGCCCTGGCTGGGCCCGG[C>T]AGGGACCCCCGCGCCCACGAGGGTGCTGTTGATGGAGCAGATCTCAAAGTCATCCTCATC-3'
Protein context (NP_001369202.1, residues 666-686): NSTLVGAGVP[Ala676Thr]GPSQGQTNYA

ClinVar aggregate classification (germline): Uncertain significance. Review status: criteria provided, multiple submitters, no conflicts (2 of 4 stars). 2 submissions from 2 submitters: Uncertain significance (2). Last evaluated 2025-04-24.

Allele frequency attached by ClinVar (database versions not stated): gnomAD 0.00001; TOPMed 0.00001.
gnomAD v4.1: 7 of 1,604,256 alleles (0.00044%); highest among the groups gnomAD compares: Middle Eastern, 0.016%; no homozygotes.

Submissions (2):

Ambry Genetics
Classification: Uncertain significance. Last evaluated: 2025-04-24. Review status: criteria provided, single submitter. Criteria: Ambry Variant Classification Scheme 2023. Collection method: clinical testing. Allele origin: germline.

Labcorp Genetics (formerly Invitae), Labcorp
Classification: Uncertain significance. Last evaluated: 2022-12-15. Review status: criteria provided, single submitter. Criteria: Invitae Variant Classification Sherloc (09022015). Collection method: clinical testing. Allele origin: germline.
Comment: This sequence change replaces alanine, which is neutral and non-polar, with threonine, which is neutral and polar, at codon 739 of the TNK2 protein (p.Ala739Thr). This variant is present in population databases (no rsID available, gnomAD 0.003%). This variant has not been reported in the literature in individuals affected with TNK2-related conditions. Algorithms developed to predict the effect of missense changes on protein structure and function output the following: SIFT: "Tolerated"; PolyPhen-2: "Benign"; Align-GVGD: "Class C0". The threonine amino acid residue is found in multiple mammalian species, which suggests that this missense change does not adversely affect protein function. In summary, the available evidence is currently insufficient to determine the role of this variant in disease. Therefore, it has been classified as a Variant of Uncertain Significance.